The following is an entry in ClinVar:

ClinVar aggregate classification (germline): Uncertain significance (1 of 4 stars; one submission).

gnomAD v4.1: 21 of 1,587,510 alleles (0.0013%); highest among the groups gnomAD compares: Admixed American, 0.0018%; no homozygotes.

Submission:

Women's Health and Genetics/Laboratory Corporation of America, LabCorp
Classification: Uncertain significance. Last evaluated: 2025-09-08. Review status: criteria provided, single submitter. Criteria: LabCorp Variant Classification Summary - May 2015. Collection method: clinical testing. Allele origin: germline.
Comment: Variant summary: IGFALS c.886C>T (p.Arg296Trp) results in a non-conservative amino acid change in the encoded protein sequence. Algorithms developed to predict the effect of missense changes on protein structure and function are either unavailable or do not agree on the potential impact of this missense change. The variant allele was found at a frequency of 1.5e-05 in 199804 control chromosomes. The available data on variant occurrences in the general population are insufficient to allow any conclusion about variant significance. To our knowledge, no occurrence of c.886C>T in individuals affected with IGFALS-related conditions and no experimental evidence demonstrating its impact on protein function have been reported. No submitters have cited clinical-significance assessments for this variant to ClinVar. Based on the evidence outlined above, the variant was classified as uncertain significance.

NM_004970.3(IGFALS):c.886C>T (p.Arg296Trp)

Gene: IGFALS (insulin like growth factor binding protein acid labile subunit; minus strand). Cytogenetic location: 16p13.3.
Variant type: single nucleotide variant.
Coding change: c.886C>T on transcript NM_004970.3 (MANE Select); coding-DNA position 886, C replaced by T.
Protein change: p.Arg296Trp; replaces arginine 296 with tryptophan.
Molecular consequence: missense variant. On other transcripts: non-coding transcript variant (1).
Genome position (GRCh38, 1-based): chr16:1,791,532, G>A on the plus strand (C>T on the coding strand, the complement: IGFALS is on the minus strand). VCF-style: chr16-1791532-G-A. GRCh37 (hg19) VCF-style: chr16-1841533-G-A.
Other names: c.1000C>T, p.Arg334Trp (NM_001146006.2); short protein forms R296W, R334W.
Identifiers: ClinVar variation 4535671 (VCV004535671.1).